The following is an entry in ClinVar:

NM_005941.5(MMP16):c.*2392G>A

Gene: MMP16 (matrix metallopeptidase 16; minus strand). Cytogenetic location: 8q21.3.
Variant type: single nucleotide variant.
Coding change: c.*2392G>A on transcript NM_005941.5 (MANE Select); 2392 bases downstream of the stop codon, G replaced by A.
Molecular consequence: 3 prime UTR variant.
Genome position (GRCh38, 1-based): chr8:88,039,069, C>T on the plus strand (G>A on the coding strand, the complement: MMP16 is on the minus strand). VCF-style: chr8-88039069-C-T. GRCh37 (hg19) VCF-style: chr8-89051297-C-T.
Identifiers: ClinVar variation 1270817 (VCV001270817.2), dbSNP rs2664370, ClinGen allele CA15541848.

ClinVar aggregate classification (germline): Benign. Review status: criteria provided, multiple submitters, no conflicts (2 of 4 stars). 2 submissions from 2 submitters: Benign (2). Last evaluated 2020-10-29.

Allele frequency attached by ClinVar (database versions not stated): gnomAD exomes 0.53052; gnomAD 0.56724 and 0.56848; TOPMed 0.57811; 1000 Genomes Project 30x 0.59041; 1000 Genomes Project 0.59185.
gnomAD v4.1: 86,625 of 152,236 alleles (57%); highest among the groups gnomAD compares: East Asian, 68%; 24,803 homozygotes.

Submissions (2):

GeneDx
Classification: Benign. Last evaluated: 2020-10-29. Review status: criteria provided, single submitter. Criteria: GeneDx Variant Classification Process June 2021. Collection method: clinical testing. Allele origin: germline. Affected: yes.
Comment: This variant is associated with the following publications: (PMID: 32196811)

Breakthrough Genomics
Classification: Benign. Review status: criteria provided, single submitter. Criteria: ACMG Guidelines, 2015. Collection method: not provided. Allele origin: germline. Inheritance: Unknown mechanism. Affected: yes.